The following is an entry in ClinVar:

NM_001378120.1(MBD5):c.598C>T (p.Arg200Ter)

Gene: MBD5 (methyl-CpG binding domain protein 5; plus strand). Cytogenetic location: 2q23.1.
Variant type: single nucleotide variant.
Coding change: c.598C>T on transcript NM_001378120.1 (MANE Select); coding-DNA position 598, C replaced by T.
Protein change: p.Arg200Ter; replaces arginine 200 with a stop codon.
Molecular consequence: nonsense.
Genome position (GRCh38, 1-based): chr2:148,468,541, C>T. VCF-style: chr2-148468541-C-T. GRCh37 (hg19) VCF-style: chr2-149226110-C-T.
Other names: c.598C>T, p.Arg200Ter (NM_018328.5); short protein forms R200*.
Identifiers: ClinVar variation 1075828 (VCV001075828.10), dbSNP rs1293936199, ClinGen allele CA348717149.

ClinVar aggregate classification (germline): Pathogenic. Review status: criteria provided, multiple submitters, no conflicts (2 of 4 stars). 4 submissions from 4 submitters: Pathogenic (4). Last evaluated 2025-09-23.

Conditions:
Inborn genetic diseases. Identifiers: MedGen C0950123, MeSH D030342.
Intellectual developmental disorder, autosomal dominant 1. Also called: Intellectual disability, autosomal dominant 1; MBD5 Haploinsufficiency. Identifiers: Orphanet 228402, MedGen C1969562, MONDO:0007974, OMIM 156200.
MBD5-related disorder. Also called: MBD5-related condition.

Submissions (4):

Ambry Genetics
Classification: Pathogenic for Inborn genetic diseases. Last evaluated: 2025-09-23. Review status: criteria provided, single submitter. Criteria: Ambry Variant Classification Scheme 2023. Collection method: clinical testing. Allele origin: germline.
Comment: The c.598C>T (p.R200*) alteration, located in exon 9 (coding exon 4) of the MBD5 gene, consists of a C to T substitution at nucleotide position 598. This changes the amino acid from a arginine (R) to a stop codon at amino acid position 200. This alteration is expected to result in loss of function by premature protein truncation or nonsense-mediated mRNA decay. This variant was not reported in population-based cohorts in the Genome Aggregation Database (gnomAD). Based on the available evidence, this alteration is classified as pathogenic.

Blueprint Genetics
Classification: Pathogenic for MBD5-related disorders. Last evaluated: 2024-10-15. Review status: criteria provided, single submitter. Criteria: ACMG Guidelines, 2015. Collection method: clinical testing. Allele origin: germline. Affected: yes. Observed: 1 variant allele.

GeneDx
Classification: Pathogenic. Last evaluated: 2023-11-01. Review status: criteria provided, single submitter. Criteria: GeneDx Variant Classification Process June 2021. Collection method: clinical testing. Allele origin: germline. Affected: yes.
Comment: Nonsense variant predicted to result in protein truncation or nonsense mediated decay in a gene for which loss-of-function is a known mechanism of disease; Not observed at significant frequency in large population cohorts (gnomAD); This variant is associated with the following publications: (PMID: 33912662)

Labcorp Genetics (formerly Invitae), Labcorp
Classification: Pathogenic for Intellectual developmental disorder, autosomal dominant 1. Last evaluated: 2023-04-15. Review status: criteria provided, single submitter. Criteria: Invitae Variant Classification Sherloc (09022015). Collection method: clinical testing. Allele origin: germline.
Comment: For these reasons, this variant has been classified as Pathogenic. ClinVar contains an entry for this variant (Variation ID: 1075828). This premature translational stop signal has been observed in individual(s) with MBD5-associated neurodevelopmental disorder and seizures (PMID: 33912662). This variant is not present in population databases (gnomAD no frequency). This sequence change creates a premature translational stop signal (p.Arg200*) in the MBD5 gene. It is expected to result in an absent or disrupted protein product. Loss-of-function variants in MBD5 are known to be pathogenic (PMID: 23422940, 23587880).

Literature cited by the submitters: PubMed 33912662 (cited by Labcorp Genetics (formerly Invitae), Labcorp); PubMed 23422940 (cited by Labcorp Genetics (formerly Invitae), Labcorp); PubMed 23587880 (cited by Labcorp Genetics (formerly Invitae), Labcorp).